The following is an entry in ClinVar:

NM_015047.3(EMC1):c.712C>A (p.Pro238Thr)

Genes: EMC1 (ER membrane protein complex subunit 1; minus strand), EMC1-AS1 (EMC1 antisense RNA 1; plus strand). Cytogenetic location: 1p36.13.
Variant type: single nucleotide variant.
Coding change: c.712C>A on transcript NM_015047.3 (MANE Select); coding-DNA position 712, C replaced by A.
Protein change: p.Pro238Thr; replaces proline 238 with threonine.
Molecular consequence: missense variant. On other transcripts: non-coding transcript variant (1).
Genome position (GRCh38, 1-based): chr1:19,240,371, G>T on the plus strand (C>A on the coding strand, the complement: EMC1 is on the minus strand). VCF-style: chr1-19240371-G-T. GRCh37 (hg19) VCF-style: chr1-19566865-G-T.
Other names: c.712C>A, p.Pro238Thr (NM_001271427.2, NM_001271428.2, NM_001375820.1 and 1 more transcripts); c.646C>A, p.Pro216Thr (NM_001271429.2); short protein forms P238T, P216T.
Identifiers: ClinVar variation 2772515 (VCV002772515.3), dbSNP rs755514370, ClinGen allele CA338769023.

ClinVar aggregate classification (germline): Uncertain significance (1 of 4 stars; one submission).

Submission:

Labcorp Genetics (formerly Invitae), Labcorp
Classification: Uncertain significance. Last evaluated: 2024-04-10. Review status: criteria provided, single submitter. Criteria: Invitae Variant Classification Sherloc (09022015). Collection method: clinical testing. Allele origin: germline.
Comment: This sequence change replaces proline, which is neutral and non-polar, with threonine, which is neutral and polar, at codon 238 of the EMC1 protein (p.Pro238Thr). This variant is not present in population databases (gnomAD no frequency). This variant has not been reported in the literature in individuals affected with EMC1-related conditions. Advanced modeling of protein sequence and biophysical properties (such as structural, functional, and spatial information, amino acid conservation, physicochemical variation, residue mobility, and thermodynamic stability) performed at Invitae indicates that this missense variant is not expected to disrupt EMC1 protein function with a negative predictive value of 80%. In summary, the available evidence is currently insufficient to determine the role of this variant in disease. Therefore, it has been classified as a Variant of Uncertain Significance.